The following is an entry in ClinVar:

ClinVar aggregate classification (germline): Uncertain significance. Review status: criteria provided, multiple submitters, no conflicts (2 of 4 stars). 2 submissions from 2 submitters: Uncertain significance (2). Last evaluated 2025-09-15.

Conditions:
Cardiovascular phenotype. Identifiers: MedGen CN230736.

gnomAD v4.1: 13 of 1,608,154 alleles (0.00081%); highest among the groups gnomAD compares: Non-Finnish European, 0.00094%; no homozygotes.

Submissions (2):

Ambry Genetics
Classification: Uncertain significance for Cardiovascular phenotype. Last evaluated: 2025-09-15. Review status: criteria provided, single submitter. Criteria: Ambry Variant Classification Scheme 2023. Collection method: clinical testing. Allele origin: germline.
Comment: The c.730T>C variant (also known as p.S244P), located in coding exon 7 of the TECRL gene, results from a T to C substitution at nucleotide position 730. The amino acid change results in serine to proline at codon 244, an amino acid with similar properties. However, this change occurs in the last base pair of coding exon 7, which makes it likely to have some effect on normal mRNA splicing. This amino acid position is well conserved in available vertebrate species. In addition, this alteration is predicted to be tolerated by in silico analysis. Based on the available evidence, the clinical significance of this variant remains unclear.

GeneDx
Classification: Uncertain significance. Last evaluated: 2024-05-15. Review status: criteria provided, single submitter. Criteria: GeneDx Variant Classification Process June 2021. Collection method: clinical testing. Allele origin: germline. Affected: yes.
Comment: Not observed at significant frequency in large population cohorts (gnomAD); In silico analysis supports that this missense variant has a deleterious effect on protein structure/function; Has not been previously published as pathogenic or benign to our knowledge

NM_001010874.5(TECRL):c.730T>C (p.Ser244Pro)

Gene: TECRL (trans-2,3-enoyl-CoA reductase like; minus strand). Cytogenetic location: 4q13.1.
Variant type: single nucleotide variant.
Coding change: c.730T>C on transcript NM_001010874.5 (MANE Select); coding-DNA position 730, T replaced by C.
Protein change: p.Ser244Pro; replaces serine 244 with proline.
Molecular consequence: missense variant.
Genome position (GRCh38, 1-based): chr4:64,305,166, A>G on the plus strand (T>C on the coding strand, the complement: TECRL is on the minus strand). VCF-style: chr4-64305166-A-G. GRCh37 (hg19) VCF-style: chr4-65170884-A-G.
Other names: c.730T>C, p.Ser244Pro (NM_001363796.1); short protein forms S244P.
Identifiers: ClinVar variation 3377864 (VCV003377864.2).